The following is an entry in ClinVar:

ClinVar aggregate classification (germline): Uncertain significance (1 of 4 stars; one submission).

gnomAD v4.1: 1 of 1,552,504 alleles (0.000064%); highest among the groups gnomAD compares: Non-Finnish European, 0.000087%; no homozygotes.

Submission:

Women's Health and Genetics/Laboratory Corporation of America, LabCorp
Classification: Uncertain significance. Last evaluated: 2025-07-21. Review status: criteria provided, single submitter. Criteria: LabCorp Variant Classification Summary - May 2015. Collection method: clinical testing. Allele origin: germline.
Comment: Variant summary: SLC39A4 c.1420G>C (p.Val474Leu) results in a conservative amino acid change in the encoded protein sequence. Algorithms developed to predict the effect of missense changes on protein structure and function are either unavailable or do not agree on the potential impact of this missense change. This variant is within the exonic splice region. Several computational tools predict a significant impact on normal splicing: Two predict the variant abolishes the canonical 3' acceptor site. One predict the variant weakens the canonical 3' acceptor site. One predict the variant no significant impact on splicing. However, these predictions have yet to be confirmed by functional studies. The variant was absent in 150764 control chromosomes. The available data on variant occurrences in the general population are insufficient to allow any conclusion about variant significance. To our knowledge, no occurrence of c.1420G>C in individuals affected with Acrodermatitis Enteropathica and no experimental evidence demonstrating its impact on protein function have been reported. No submitters have cited clinical-significance assessments for this variant to ClinVar. Based on the evidence outlined above, the variant was classified as uncertain significance.

NM_130849.4(SLC39A4):c.1420G>C (p.Val474Leu)

Gene: SLC39A4 (solute carrier family 39 member 4; minus strand). Cytogenetic location: 8q24.3.
Variant type: single nucleotide variant.
Coding change: c.1420G>C on transcript NM_130849.4 (MANE Select); coding-DNA position 1420, G replaced by C.
Protein change: p.Val474Leu; replaces valine 474 with leucine.
Molecular consequence: missense variant. On other transcripts: 5 prime UTR variant (1).
Genome position (GRCh38, 1-based): chr8:144,413,567, C>G on the plus strand (G>C on the coding strand, the complement: SLC39A4 is on the minus strand). VCF-style: chr8-144413567-C-G. GRCh37 (hg19) VCF-style: chr8-145638951-C-G.
Other names: c.-75G>C (NM_001280557.2); c.1138G>C, p.Val380Leu (NM_001374839.1); c.1345G>C, p.Val449Leu (NM_017767.3); short protein forms V474L, V449L, V380L.
Identifiers: ClinVar variation 4525734 (VCV004525734.1).